The following is an entry in ClinVar:

NM_018124.4(RFWD3):c.113C>G (p.Pro38Arg)

Gene: RFWD3 (ring finger and WD repeat domain 3; minus strand). Cytogenetic location: 16q23.1.
Variant type: single nucleotide variant.
Coding change: c.113C>G on transcript NM_018124.4 (MANE Select); coding-DNA position 113, C replaced by G.
Protein change: p.Pro38Arg; replaces proline 38 with arginine.
Molecular consequence: missense variant. On other transcripts: 5 prime UTR variant (4), intron variant (1).
Genome position (GRCh38, 1-based): chr16:74,661,337, G>C on the plus strand (C>G on the coding strand, the complement: RFWD3 is on the minus strand). VCF-style: chr16-74661337-G-C. GRCh37 (hg19) VCF-style: chr16-74695235-G-C.
Other names: c.113C>G, p.Pro38Arg (NM_001370534.1, NM_001370535.1, NM_001370536.1); c.-896C>G (NM_001370537.1); c.-519C>G (NM_001370539.1); c.-773C>G (NM_001370542.1); c.-651C>G (NM_001370543.1); c.-317+3287C>G (NM_001370540.1); short protein forms P38R.
Identifiers: ClinVar variation 4769132 (VCV004769132.1).

ClinVar aggregate classification (germline): Uncertain significance (1 of 4 stars; one submission).

gnomAD v4.1: 2 of 1,614,150 alleles (0.00012%); highest among the groups gnomAD compares: Non-Finnish European, 0.00017%; no homozygotes.

Submission:

Labcorp Genetics (formerly Invitae), Labcorp
Classification: Uncertain significance. Last evaluated: 2025-12-30. Review status: criteria provided, single submitter. Criteria: Invitae Variant Classification Sherloc (09022015). Collection method: clinical testing. Allele origin: germline.
Comment: This sequence change replaces proline, which is neutral and non-polar, with arginine, which is basic and polar, at codon 38 of the RFWD3 protein (p.Pro38Arg). This variant is present in population databases (rs778325122, gnomAD 0.002%). This variant has not been reported in the literature in individuals affected with RFWD3-related conditions. An algorithm developed to predict the effect of missense changes on protein structure and function (PolyPhen-2) suggests that this variant is likely to be tolerated. In summary, the available evidence is currently insufficient to determine the role of this variant in disease. Therefore, it has been classified as a Variant of Uncertain Significance.